The following is an entry in ClinVar:

ClinVar aggregate classification (germline): Uncertain significance (1 of 4 stars; one submission).

Conditions:
Familial cancer of breast. Also called: hereditary breast carcinoma; BREAST CANCER, FAMILIAL; Hereditary breast cancer. Identifiers: Orphanet 227535, MedGen C0346153, MONDO:0016419, OMIM 114480. Disease mechanism: loss of function.

Submission:

Labcorp Genetics (formerly Invitae), Labcorp
Classification: Uncertain significance for Familial cancer of breast. Last evaluated: 2024-07-30. Review status: criteria provided, single submitter. Criteria: Invitae Variant Classification Sherloc (09022015). Collection method: clinical testing. Allele origin: germline.
Comment: This sequence change replaces methionine, which is neutral and non-polar, with leucine, which is neutral and non-polar, at codon 222 of the CHEK2 protein (p.Met222Leu). This variant is not present in population databases (gnomAD no frequency). This variant has not been reported in the literature in individuals affected with CHEK2-related conditions. ClinVar contains an entry for this variant (Variation ID: 836462). An algorithm developed to predict the effect of missense changes on protein structure and function outputs the following: PolyPhen-2: "Benign". The leucine amino acid residue is found in multiple mammalian species, which suggests that this missense change does not adversely affect protein function. In summary, the available evidence is currently insufficient to determine the role of this variant in disease. Therefore, it has been classified as a Variant of Uncertain Significance.

NM_007194.4(CHEK2):c.664A>C (p.Met222Leu)

Gene: CHEK2 (checkpoint kinase 2; minus strand). Cytogenetic location: 22q12.1.
Variant type: single nucleotide variant.
Coding change: c.664A>C on transcript NM_007194.4 (MANE Select); coding-DNA position 664, A replaced by C.
Protein change: p.Met222Leu; replaces methionine 222 with leucine.
Molecular consequence: missense variant. On other transcripts: initiator codon variant (2), intron variant (1).
Genome position (GRCh38, 1-based): chr22:28,719,414, T>G on the plus strand (A>C on the coding strand, the complement: CHEK2 is on the minus strand). VCF-style: chr22-28719414-T-G. GRCh37 (hg19) VCF-style: chr22-29115402-T-G.
Other names: c.793A>C, p.Met265Leu (NM_001005735.3, NM_001438294.1); c.1A>C, p.Met1Leu (NM_001257387.3, NM_001437942.1); c.757A>C, p.Met253Leu (NM_001438293.1, NM_001438295.1); c.664A>C, p.Met222Leu (NM_145862.3); c.482+5472A>C (NM_001349956.3); short protein forms M222L, M265L, M1L, M253L.
Identifiers: ClinVar variation 836462 (VCV000836462.11), dbSNP rs786203472, ClinGen allele CA411104905.
Genomic context (GRCh38, chr22:28,719,414, plus strand): 5'-AGTGAAAAAATTAAGTGCATTTATATAAGAAAATAATTTACCTTCCAAGAGTTTTTGACA[T>G]GATGTATTCATCTCTTAATGCCTTAGGATAAACTGACTGATCATCTACAGTCAGATCAAA-3'
Protein context (NP_009125.1, residues 212-232): YPKALRDEYI[Met222Leu]SKTLGSGACG